The following is an entry in ClinVar:

NM_001018115.3(FANCD2):c.2971C>G (p.Leu991Val)

Genes: FANCD2 (FA complementation group D2; plus strand), LOC107303338 (3p25 FANCD2 Alu-mediated recombination region; plus strand). Cytogenetic location: 3p25.3.
Variant type: single nucleotide variant.
Coding change: c.2971C>G on transcript NM_001018115.3 (MANE Select); coding-DNA position 2971, C replaced by G.
Protein change: p.Leu991Val; replaces leucine 991 with valine.
Molecular consequence: missense variant.
Genome position (GRCh38, 1-based): chr3:10,078,192, C>G. VCF-style: chr3-10078192-C-G. GRCh37 (hg19) VCF-style: chr3-10119876-C-G.
Other names: c.2971C>G, p.Leu991Val (NM_001319984.2, NM_001374254.1, NM_033084.6); c.2860C>G, p.Leu954Val (NM_001374253.1); short protein forms L954V, L991V.
Identifiers: ClinVar variation 1013906 (VCV001013906.8), dbSNP rs1575817874, ClinGen allele CA351746414.

ClinVar aggregate classification (germline): Uncertain significance (1 of 4 stars; one submission).

Conditions:
Fanconi anemia (FA). Also called: Fanconi's anemia. Identifiers: Orphanet 84, MedGen C0015625, MeSH D005199, MONDO:0019391.

Allele frequency attached by ClinVar (database versions not stated): TOPMed below 0.00001.

Submission:

Labcorp Genetics (formerly Invitae), Labcorp
Classification: Uncertain significance for Fanconi anemia. Last evaluated: 2020-03-08. Review status: criteria provided, single submitter. Criteria: Invitae Variant Classification Sherloc (09022015). Collection method: clinical testing. Allele origin: germline.
Comment: Algorithms developed to predict the effect of missense changes on protein structure and function are either unavailable or do not agree on the potential impact of this missense change (SIFT: "Deleterious"; PolyPhen-2: "Possibly Damaging"; Align-GVGD: "Class C0"). This variant has not been reported in the literature in individuals with FANCD2-related conditions. This variant is not present in population databases (ExAC no frequency). This sequence change replaces leucine with valine at codon 991 of the FANCD2 protein (p.Leu991Val). The leucine residue is highly conserved and there is a small physicochemical difference between leucine and valine. In summary, the available evidence is currently insufficient to determine the role of this variant in disease. Therefore, it has been classified as a Variant of Uncertain Significance.